The following is an entry in ClinVar:

NM_006231.4(POLE):c.4429_4444+1del

Gene: POLE (DNA polymerase epsilon, catalytic subunit; minus strand). Cytogenetic location: 12q24.33.
Variant type: Deletion.
Coding change: c.4429_4444+1del on transcript NM_006231.4 (MANE Select); coding-DNA position 4429 through the canonical splice donor site of the intron after coding-DNA position 4444, 17 bases deleted (AGCTACCTGGAACCAGG).
Molecular consequence: splice donor variant.
Genome position (GRCh38, 1-based): chr12:132,643,406-132,643,422, CCTGGTTCCAGGTAGCT deleted on the plus strand (AGCTACCTGGAACCAGG on the coding strand, the reverse complement: POLE is on the minus strand). VCF-style (leftmost placement, unchanged base first): chr12-132643405-ACCTGGTTCCAGGTAGCT-A. GRCh37 (hg19) VCF-style: chr12-133219991-ACCTGGTTCCAGGTAGCT-A.
Identifiers: ClinVar variation 1429815 (VCV001429815.8), dbSNP rs2138549402, ClinGen allele CA2573148336.

ClinVar aggregate classification (germline): Likely pathogenic (1 of 4 stars; one submission).

Submission:

Labcorp Genetics (formerly Invitae), Labcorp
Classification: Likely pathogenic. Last evaluated: 2022-05-12. Review status: criteria provided, single submitter. Criteria: Invitae Variant Classification Sherloc (09022015). Collection method: clinical testing. Allele origin: germline.
Comment: This variant results in the deletion of part of exon 34 (c.4429_4444+1del) of the POLE gene. It is expected to disrupt RNA splicing. Variants that disrupt the donor or acceptor splice site typically lead to a loss of protein function (PMID: 16199547), and loss-of-function variants in POLE are known to be pathogenic (PMID: 23230001, 25948378, 30503519). This variant is not present in population databases (gnomAD no frequency). This variant has not been reported in the literature in individuals affected with POLE-related conditions. Algorithms developed to predict the effect of sequence changes on RNA splicing suggest that this variant may disrupt the consensus splice site. In summary, the currently available evidence indicates that the variant is pathogenic, but additional data are needed to prove that conclusively. Therefore, this variant has been classified as Likely Pathogenic.

Literature cited by the submitters: PubMed 16199547; PubMed 23230001; PubMed 25948378; PubMed 30503519.